The following is an entry in ClinVar:

ClinVar aggregate classification (germline): Conflicting classifications of pathogenicity. Review status: criteria provided, conflicting classifications (1 of 4 stars). 8 submissions from 8 submitters: Uncertain significance (1); Benign (2); Likely benign (4). 1 of the submissions does not count toward it. Last evaluated 2026-01-13.

Conditions:
Becker muscular dystrophy (BMD). Also called: Becker Muscular Dystrophy (BMD); MUSCULAR DYSTROPHY, PSEUDOHYPERTROPHIC PROGRESSIVE, BECKER TYPE. Identifiers: Orphanet 98895, MedGen C0917713, MONDO:0010311, OMIM 300376.
Dystrophin deficiency.
Duchenne muscular dystrophy (DMD). Also called: MUSCULAR DYSTROPHY, PSEUDOHYPERTROPHIC PROGRESSIVE, DUCHENNE TYPE; Duchenne Muscular Dystrophy (DMD). Identifiers: Orphanet 98896, MedGen C0013264, MONDO:0010679, OMIM 310200.
Cardiomyopathy (CMYO). Also called: Cardiomyopathies. Identifiers: Orphanet 167848, MedGen C0878544, MONDO:0004994, HP:0001638. Inheritance: Various modes of inheritance.
Cardiovascular phenotype. Identifiers: MedGen CN230736.

Allele frequency attached by ClinVar (database versions not stated): gnomAD 0.00018 and 0.00021; TOPMed 0.00018; ESP Exome Variant Server 0.00019; gnomAD exomes 0.00019 and 0.00037; ExAC 0.00037; 1000 Genomes Project 30x 0.00062; 1000 Genomes Project 0.00079.
gnomAD v4.1: 237 of 1,209,195 alleles (0.02%); highest among the groups gnomAD compares: East Asian, 0.3%; no homozygotes.

Submissions (10):

Labcorp Genetics (formerly Invitae), Labcorp
Classification: Benign for Duchenne muscular dystrophy. Last evaluated: 2026-01-13. Review status: criteria provided, single submitter. Criteria: Invitae Variant Classification Sherloc (09022015). Collection method: clinical testing. Allele origin: germline.

Blueprint Genetics
Classification: Likely benign. Last evaluated: 2024-09-30. Review status: criteria provided, single submitter. Criteria: ACMG Guidelines, 2015. Collection method: clinical testing. Allele origin: germline.

CeGaT Center for Human Genetics Tuebingen
Classification: Likely benign. Last evaluated: 2023-07-01. Review status: criteria provided, single submitter. Criteria: CeGaT Center For Human Genetics Tuebingen Variant Classification Criteria Version 2. Collection method: clinical testing. Allele origin: germline. Affected: yes. Observed: 1 variant allele.
Comment: DMD: PP3, BS2

Ambry Genetics
Classification: Benign for Cardiovascular phenotype. Last evaluated: 2021-12-15. Review status: criteria provided, single submitter. Criteria: Ambry Variant Classification Scheme 2023. Collection method: clinical testing. Allele origin: germline.

GeneDx
Classification: Likely benign. Last evaluated: 2018-04-04. Review status: criteria provided, single submitter. Criteria: GeneDx Variant Classification Process June 2021. Collection method: clinical testing. Allele origin: germline. Affected: yes.

Molecular Diagnostic Laboratory for Inherited Cardiovascular Disease, Montreal Heart Institute
Classification: Likely benign. Last evaluated: 2017-01-23. Review status: criteria provided, single submitter. Criteria: ACMG Guidelines, 2015. Collection method: clinical testing. Allele origin: germline. Affected: yes.

Eurofins Ntd Llc (ga)
Classification: Uncertain significance. Last evaluated: 2016-06-03. Review status: criteria provided, single submitter. Criteria: EGL Classification Definitions 2015. Collection method: clinical testing. Allele origin: germline. Observed: 1 variant allele, 1 heterozygote.

Natera, Inc.
Classification: Likely benign for Becker muscular dystrophy; Cardiomyopathy; Duchenne muscular dystrophy; Dystrophin deficiency. Last evaluated: 2019-08-02. Review status: no assertion criteria provided. Collection method: clinical testing. Allele origin: germline. Not counted in ClinVar's aggregate classification.

Dr. Peter K. Rogan Lab, Western University
No classification provided (evidence only). Condition: Nonpapillary renal cell carcinoma. Review status: no classification provided. Collection method: in vitro. Allele origin: not applicable. Functional consequence: retained intron. Not counted in ClinVar's aggregate classification.

Dr. Peter K. Rogan Lab, Western University
No classification provided (evidence only). Condition: Malignant tumor of esophagus. Review status: no classification provided. Collection method: in vitro. Allele origin: not applicable. Functional consequence: cryptic splice site, skipped exon, retained intron. Not counted in ClinVar's aggregate classification.

NM_004006.3(DMD):c.2291A>G (p.Asn764Ser)

Gene: DMD (dystrophin; minus strand). Cytogenetic location: Xp21.1.
Variant type: single nucleotide variant.
Coding change: c.2291A>G on transcript NM_004006.3 (MANE Select); coding-DNA position 2291, A replaced by G.
Protein change: p.Asn764Ser; replaces asparagine 764 with serine.
Molecular consequence: missense variant.
Genome position (GRCh38, 1-based): chrX:32,518,009, T>C on the plus strand (A>G on the coding strand, the complement: DMD is on the minus strand). VCF-style: chrX-32518009-T-C. GRCh37 (hg19) VCF-style: chrX-32536126-T-C.
Other names: c.2267A>G, p.Asn756Ser (NM_000109.4); c.2279A>G, p.Asn760Ser (NM_004009.3); c.1922A>G, p.Asn641Ser (NM_004010.3); short protein forms N764S, N756S, N641S, N760S.
Identifiers: ClinVar variation 288446 (VCV000288446.53), dbSNP rs199588981, ClinGen allele CA10379588.
Genomic context (GRCh38, chrX:32,518,009, plus strand): 5'-CACGGAGTTTACAAGCAGCACAAAATGAGTACAGATATAAAAATTAATGCATAACCTACA[T>C]TGACTTTTTCTTTTAAGTCTGAGAAGTTGCCTTCCTTCCGAAAGATTGCAAATTCAGGAC-3'
Protein context (NP_003997.2, residues 754-774): GNFSDLKEKV[Asn764Ser]AIEREKAEKF